The following is an entry in ClinVar:

NM_032119.4(ADGRV1):c.4231G>A (p.Ala1411Thr)

Gene: ADGRV1 (adhesion G protein-coupled receptor V1; plus strand). Cytogenetic location: 5q14.3.
Variant type: single nucleotide variant.
Coding change: c.4231G>A on transcript NM_032119.4 (MANE Select); coding-DNA position 4231, G replaced by A.
Protein change: p.Ala1411Thr; replaces alanine 1411 with threonine.
Molecular consequence: missense variant. On other transcripts: non-coding transcript variant (1).
Genome position (GRCh38, 1-based): chr5:90,653,805, G>A. VCF-style: chr5-90653805-G-A. GRCh37 (hg19) VCF-style: chr5-89949622-G-A.
Other names: short protein forms A1411T.
Identifiers: ClinVar variation 1521630 (VCV001521630.8), dbSNP rs1769007125, ClinGen allele CA360401945.

ClinVar aggregate classification (germline): Uncertain significance (1 of 4 stars; one submission).

Submission:

Labcorp Genetics (formerly Invitae), Labcorp
Classification: Uncertain significance. Last evaluated: 2021-07-26. Review status: criteria provided, single submitter. Criteria: Invitae Variant Classification Sherloc (09022015). Collection method: clinical testing. Allele origin: germline.
Comment: This sequence change replaces alanine with threonine at codon 1411 of the ADGRV1 protein (p.Ala1411Thr). The alanine residue is highly conserved and there is a small physicochemical difference between alanine and threonine. This variant is not present in population databases (ExAC no frequency). In summary, the available evidence is currently insufficient to determine the role of this variant in disease. Therefore, it has been classified as a Variant of Uncertain Significance. Algorithms developed to predict the effect of missense changes on protein structure and function are either unavailable or do not agree on the potential impact of this missense change (SIFT: "Deleterious"; PolyPhen-2: "Probably Damaging"; Align-GVGD: "Class C0"). This variant has not been reported in the literature in individuals affected with ADGRV1-related conditions.